The following is an entry in ClinVar:

ClinVar aggregate classification (germline): Conflicting classifications of pathogenicity. Review status: criteria provided, conflicting classifications (1 of 4 stars). 4 submissions from 4 submitters: Uncertain significance (1); Benign (1); Likely benign (2). Last evaluated 2025-04-11.

Conditions:
Intellectual developmental disorder, autosomal dominant 63, with macrocephaly. Also called: MENTAL RETARDATION, AUTOSOMAL DOMINANT 63, WITH MACROCEPHALY. Identifiers: MedGen C5394205, MONDO:0032939, OMIM 618825.
TRIO-related disorder. Also called: TRIO-related condition; TRIO-related disorders.
Inborn genetic diseases. Identifiers: MedGen C0950123, MeSH D030342.

Allele frequency attached by ClinVar (database versions not stated): gnomAD exomes 0.00003 and 0.00007; ExAC 0.00006; 1000 Genomes Project 30x 0.00016; 1000 Genomes Project 0.00020; ESP Exome Variant Server 0.00023; gnomAD 0.00036 and 0.00039; TOPMed 0.00037.
gnomAD v4.1: 106 of 1,609,406 alleles (0.0066%); highest among the groups gnomAD compares: African/African-American, 0.13%; no homozygotes.

Submissions (4):

PreventionGenetics, part of Exact Sciences
Classification: Likely benign for TRIO-related condition. Last evaluated: 2025-04-11. Review status: criteria provided, single submitter. Criteria: ACMG Guidelines, 2015. Collection method: clinical testing. Allele origin: germline.
Comment: This variant is classified as likely benign based on ACMG/AMP sequence variant interpretation guidelines (Richards et al. 2015 PMID: 25741868, with internal and published modifications).

Ambry Genetics
Classification: Likely benign for Inborn genetic diseases. Last evaluated: 2021-06-22. Review status: criteria provided, single submitter. Criteria: Ambry Variant Classification Scheme 2023. Collection method: clinical testing. Allele origin: germline.

GeneDx
Classification: Benign. Last evaluated: 2020-08-28. Review status: criteria provided, single submitter. Criteria: GeneDx Variant Classification Process June 2021. Collection method: clinical testing. Allele origin: germline. Affected: yes.

New York Genome Center
Classification: Uncertain significance for Intellectual developmental disorder, autosomal dominant 63, with macrocephaly. Last evaluated: 2020-06-12. Review status: criteria provided, single submitter. Criteria: NYGC Assertion Criteria 2020. Collection method: clinical testing. Allele origin: germline. Observed: 1 heterozygote. Study: CSER-NYCKidSeq.

NM_007118.4(TRIO):c.9277C>T (p.Leu3093Phe)

Gene: TRIO (trio Rho guanine nucleotide exchange factor; plus strand). Cytogenetic location: 5p15.2.
Variant type: single nucleotide variant.
Coding change: c.9277C>T on transcript NM_007118.4 (MANE Select); coding-DNA position 9277, C replaced by T.
Protein change: p.Leu3093Phe; replaces leucine 3093 with phenylalanine.
Molecular consequence: missense variant. On other transcripts: non-coding transcript variant (1).
Genome position (GRCh38, 1-based): chr5:14,508,405, C>T. VCF-style: chr5-14508405-C-T. GRCh37 (hg19) VCF-style: chr5-14508514-C-T.
Other names: c.9277C>T (NM_007118.3, NM_007118.2); short protein forms L3093F.
Identifiers: ClinVar variation 1098678 (VCV001098678.8), dbSNP rs145985294, ClinGen allele CA3208088.